The following is an entry in ClinVar:

ClinVar aggregate classification (germline): Uncertain significance. Review status: criteria provided, multiple submitters, no conflicts (2 of 4 stars). 3 submissions from 3 submitters: Uncertain significance (3). Last evaluated 2024-08-05.

Conditions:
Inborn genetic diseases. Identifiers: MedGen C0950123, MeSH D030342.
Donnai-Barrow syndrome. Also called: DBS/FOAR SYNDROME; FACIOOCULOACOUSTICORENAL SYNDROME. Identifiers: Orphanet 2143, MedGen C1857277, MONDO:0009104, OMIM 222448.

Allele frequency attached by ClinVar (database versions not stated): gnomAD exomes 0.00001.
gnomAD v4.1: 6 of 1,614,090 alleles (0.00037%); highest among the groups gnomAD compares: Admixed American, 0.0067%; no homozygotes.

Submissions (3):

Ambry Genetics
Classification: Uncertain significance for Inborn genetic diseases. Last evaluated: 2024-08-05. Review status: criteria provided, single submitter. Criteria: Ambry Variant Classification Scheme 2023. Collection method: clinical testing. Allele origin: germline.

Labcorp Genetics (formerly Invitae), Labcorp
Classification: Uncertain significance. Last evaluated: 2024-01-19. Review status: criteria provided, single submitter. Criteria: Invitae Variant Classification Sherloc (09022015). Collection method: clinical testing. Allele origin: germline.
Comment: This sequence change replaces threonine, which is neutral and polar, with isoleucine, which is neutral and non-polar, at codon 4394 of the LRP2 protein (p.Thr4394Ile). This variant is present in population databases (no rsID available, gnomAD 0.003%). This variant has not been reported in the literature in individuals affected with LRP2-related conditions. ClinVar contains an entry for this variant (Variation ID: 1353152). Advanced modeling of protein sequence and biophysical properties (such as structural, functional, and spatial information, amino acid conservation, physicochemical variation, residue mobility, and thermodynamic stability) performed at Invitae indicates that this missense variant is not expected to disrupt LRP2 protein function with a negative predictive value of 95%. In summary, the available evidence is currently insufficient to determine the role of this variant in disease. Therefore, it has been classified as a Variant of Uncertain Significance.

Fulgent Genetics
Classification: Uncertain significance for Donnai-Barrow syndrome. Last evaluated: 2022-04-23. Review status: criteria provided, single submitter. Criteria: ACMG Guidelines, 2015. Collection method: clinical testing. Allele origin: unknown.

NM_004525.3(LRP2):c.13181C>T (p.Thr4394Ile)

Gene: LRP2 (LDL receptor related protein 2; minus strand). Cytogenetic location: 2q31.1.
Variant type: single nucleotide variant.
Coding change: c.13181C>T on transcript NM_004525.3 (MANE Select); coding-DNA position 13181, C replaced by T.
Protein change: p.Thr4394Ile; replaces threonine 4394 with isoleucine.
Molecular consequence: missense variant.
Genome position (GRCh38, 1-based): chr2:169,140,473, G>A on the plus strand (C>T on the coding strand, the complement: LRP2 is on the minus strand). VCF-style: chr2-169140473-G-A. GRCh37 (hg19) VCF-style: chr2-169996983-G-A.
Other names: c.13181C>T (NM_004525.2); short protein forms T4394I.
Identifiers: ClinVar variation 1353152 (VCV001353152.6), dbSNP rs1482750340, ClinGen allele CA349157872.
Genomic context (GRCh38, chr2:169,140,473, plus strand): 5'-AGAGGCAAGGCCTATAGCTGGGACCTCAACATTCAGACTTACTTGCATTTGGGGAGGTCA[G>A]TCTCATCAAAATAGCAATTTCCTCCGTGCATGCACCTGCATGGGGGGGGCAGGTTGATAG-3'
Protein context (NP_004516.2, residues 4384-4404): MHGGNCYFDE[Thr4394Ile]DLPKCKCPSG